The following is an entry in ClinVar:

ClinVar aggregate classification (germline): Uncertain significance. Review status: criteria provided, multiple submitters, no conflicts (2 of 4 stars). 2 submissions from 2 submitters: Uncertain significance (2). Last evaluated 2024-07-08.

Allele frequency attached by ClinVar (database versions not stated): gnomAD 0.00003 and 0.00004; gnomAD exomes 0.00004 and 0.00005; TOPMed 0.00004; ExAC 0.00005; ESP Exome Variant Server 0.00015.
gnomAD v4.1: 73 of 1,613,980 alleles (0.0045%); highest among the groups gnomAD compares: Middle Eastern, 0.033%; no homozygotes.

Submissions (2):

Labcorp Genetics (formerly Invitae), Labcorp
Classification: Uncertain significance. Last evaluated: 2024-07-08. Review status: criteria provided, single submitter. Criteria: Invitae Variant Classification Sherloc (09022015). Collection method: clinical testing. Allele origin: germline.
Comment: This sequence change replaces threonine, which is neutral and polar, with methionine, which is neutral and non-polar, at codon 243 of the ASRGL1 protein (p.Thr243Met). This variant is present in population databases (rs149064193, gnomAD 0.03%). This variant has not been reported in the literature in individuals affected with ASRGL1-related conditions. ClinVar contains an entry for this variant (Variation ID: 1037039). An algorithm developed to predict the effect of missense changes on protein structure and function (PolyPhen-2) suggests that this variant is likely to be disruptive. In summary, the available evidence is currently insufficient to determine the role of this variant in disease. Therefore, it has been classified as a Variant of Uncertain Significance.

Ambry Genetics
Classification: Uncertain significance. Last evaluated: 2021-08-18. Review status: criteria provided, single submitter. Criteria: Ambry Variant Classification Scheme 2023. Collection method: clinical testing. Allele origin: germline.

NM_001083926.2(ASRGL1):c.728C>T (p.Thr243Met)

Gene: ASRGL1 (asparaginase and isoaspartyl peptidase 1; plus strand). Cytogenetic location: 11q12.3.
Variant type: single nucleotide variant.
Coding change: c.728C>T on transcript NM_001083926.2 (MANE Select); coding-DNA position 728, C replaced by T.
Protein change: p.Thr243Met; replaces threonine 243 with methionine.
Molecular consequence: missense variant.
Genome position (GRCh38, 1-based): chr11:62,392,085, C>T. VCF-style: chr11-62392085-C-T. GRCh37 (hg19) VCF-style: chr11-62159557-C-T.
Other names: c.728C>T (NM_001083926.1); c.728C>T, p.Thr243Met (NM_025080.4); short protein forms T243M.
Identifiers: ClinVar variation 1037039 (VCV001037039.12), dbSNP rs149064193, ClinGen allele CA6043319.